The following is an entry in ClinVar:

NM_020297.4(ABCC9):c.1501G>A (p.Gly501Ser)

Gene: ABCC9 (ATP binding cassette subfamily C member 9; minus strand). Cytogenetic location: 12p12.1.
Variant type: single nucleotide variant.
Coding change: c.1501G>A on transcript NM_020297.4 (MANE Select); coding-DNA position 1501, G replaced by A.
Protein change: p.Gly501Ser; replaces glycine 501 with serine.
Molecular consequence: missense variant.
Genome position (GRCh38, 1-based): chr12:21,906,243, C>T on the plus strand (G>A on the coding strand, the complement: ABCC9 is on the minus strand). VCF-style: chr12-21906243-C-T. GRCh37 (hg19) VCF-style: chr12-22059177-C-T.
Other names: c.1501G>A, p.Gly501Ser (NM_001377273.1, NM_005691.4); c.637G>A, p.Gly213Ser (NM_001377274.1); short protein forms G501S, G213S.
Identifiers: ClinVar variation 388129 (VCV000388129.2), dbSNP rs1057523010, ClinGen allele CA16606242.

ClinVar aggregate classification (germline): Uncertain significance (1 of 4 stars; one submission).

Submission:

GeneDx
Classification: Uncertain significance. Last evaluated: 2016-08-01. Review status: criteria provided, single submitter. Criteria: GeneDx Variant Classification (06012015). Collection method: clinical testing. Allele origin: germline. Affected: yes.
Comment: The G501S variant in the ABCC9 gene has not been reported previously as a pathogenic variant, nor as a benign variant, to our knowledge. The G501S variant was not observed in approximately 6500 individuals of European and African American ancestry in the NHLBI Exome Sequencing Project, indicating it is not a common benign variant in these populations. The G501S variant is a non-conservative amino acid substitution, which is likely to impact secondary protein structure as these residues differ in polarity, charge, size and/or other properties. This substitution occurs at a position that is conserved across species. In silico analysis predicts this variant is probably damaging to the protein structure/function. Therefore, we interpret G501S as a variant of uncertain significance.